The following is an entry in ClinVar:

NM_000868.4(HTR2C):c.564T>C (p.Pro188=)

Genes: HTR2C (5-hydroxytryptamine receptor 2C; plus strand), LOC126863306 (MED14-independent group 3 enhancer GRCh37_chrX:114140926-114142125; plus strand). Cytogenetic location: Xq23.
Variant type: single nucleotide variant.
Coding change: c.564T>C on transcript NM_000868.4 (MANE Select); coding-DNA position 564, T replaced by C.
Protein change: p.Pro188=; no amino-acid change (proline 188 retained).
Molecular consequence: synonymous variant. On other transcripts: missense variant (1).
Genome position (GRCh38, 1-based): chrX:114,906,602, T>C. VCF-style: chrX-114906602-T-C. GRCh37 (hg19) VCF-style: chrX-114141165-T-C.
Other names: c.564T>C, p.Pro188= (NM_001256760.3); c.469T>C, p.Tyr157His (NM_001256761.3); short protein forms Y157H.
Identifiers: ClinVar variation 3037881 (VCV003037881.2), dbSNP rs144618891, ClinGen allele CA10495487.

ClinVar aggregate classification (germline): Likely benign (0 of 4 stars; one submission).

Conditions:
HTR2C-related disorder. Also called: HTR2C-related condition.

Allele frequency attached by ClinVar (database versions not stated): gnomAD exomes 0.00007; ExAC 0.00017; 1000 Genomes Project 0.00053; gnomAD 0.00059; 1000 Genomes Project 30x 0.00062; TOPMed 0.00064; ESP Exome Variant Server 0.00066.
gnomAD v4.1: 140 of 1,197,622 alleles (0.012%); highest among the groups gnomAD compares: African/African-American, 0.23%; no homozygotes.

Submission:

PreventionGenetics, part of Exact Sciences
Classification: Likely benign for HTR2C-related condition. Last evaluated: 2022-03-14. Review status: no assertion criteria provided. Collection method: clinical testing. Allele origin: germline.
Comment: This variant is classified as likely benign based on ACMG/AMP sequence variant interpretation guidelines (Richards et al. 2015 PMID: 25741868, with internal and published modifications).